The following is an entry in ClinVar:

NM_018979.4(WNK1):c.4792C>T (p.Pro1598Ser)

Gene: WNK1 (WNK lysine deficient protein kinase 1; plus strand). Cytogenetic location: 12p13.33.
Variant type: single nucleotide variant.
Coding change: c.4792C>T on transcript NM_018979.4 (MANE Select); coding-DNA position 4792, C replaced by T.
Protein change: p.Pro1598Ser; replaces proline 1598 with serine.
Molecular consequence: missense variant.
Genome position (GRCh38, 1-based): chr12:885,596, C>T. VCF-style: chr12-885596-C-T. GRCh37 (hg19) VCF-style: chr12-994762-C-T.
Other names: c.5572C>T, p.Pro1858Ser (NM_001184985.2); c.4051C>T, p.Pro1351Ser (NM_014823.3); c.5548C>T, p.Pro1850Ser (NM_213655.5); short protein forms P1598S, P1850S, P1858S, P1351S.
Identifiers: ClinVar variation 569059 (VCV000569059.10), dbSNP rs1565584248, ClinGen allele CA383331941.

ClinVar aggregate classification (germline): Uncertain significance (1 of 4 stars; one submission).

Conditions:
Neuropathy, hereditary sensory and autonomic, type 2A (HSAN2A). Also called: HSAN IIA; ACROOSTEOLYSIS, GIACCAI TYPE; ACROOSTEOLYSIS, NEUROGENIC; WNK1-Related HSAN2 (HSAN2A); MORVAN DISEASE; NEUROPATHY, CONGENITAL SENSORY. Identifiers: Orphanet 970, MedGen C2752089, MONDO:0024309, OMIM 201300.
Pseudohypoaldosteronism type 2C (PHA2C). Also called: Pseudohypoaldosteronism Type IIC. Identifiers: Orphanet 757, Orphanet 88940, MedGen C1840391, MONDO:0013778, OMIM 614492.

Submission:

Labcorp Genetics (formerly Invitae), Labcorp
Classification: Uncertain significance for Neuropathy, hereditary sensory and autonomic, type 2A; Pseudohypoaldosteronism type 2C. Last evaluated: 2022-04-07. Review status: criteria provided, single submitter. Criteria: Invitae Variant Classification Sherloc (09022015). Collection method: clinical testing. Allele origin: germline.
Comment: This sequence change replaces proline, which is neutral and non-polar, with serine, which is neutral and polar, at codon 1850 of the WNK1 protein (p.Pro1850Ser). This variant is not present in population databases (gnomAD no frequency). This variant has not been reported in the literature in individuals affected with WNK1-related conditions. ClinVar contains an entry for this variant (Variation ID: 569059). Advanced modeling of protein sequence and biophysical properties (such as structural, functional, and spatial information, amino acid conservation, physicochemical variation, residue mobility, and thermodynamic stability) performed at Invitae indicates that this missense variant is not expected to disrupt WNK1 protein function. In summary, the available evidence is currently insufficient to determine the role of this variant in disease. Therefore, it has been classified as a Variant of Uncertain Significance.